The following is an entry in ClinVar:

NM_007059.4(KPTN):c.785_786del (p.Lys262fs)

Gene: KPTN (kaptin, actin binding protein; minus strand). Cytogenetic location: 19q13.32.
Variant type: Deletion.
Coding change: c.785_786del on transcript NM_007059.4 (MANE Select); coding-DNA positions 785 to 786, 2 bases deleted (AG; older notation c.785_786delAG).
Protein change: p.Lys262fs; shifts the reading frame from lysine 262.
Molecular consequence: frameshift variant. On other transcripts: non-coding transcript variant (1).
Genome position (GRCh38, 1-based): chr19:47,479,864-47,479,865, CT deleted on the plus strand (AG on the coding strand, the reverse complement: KPTN is on the minus strand). VCF-style (leftmost placement, unchanged base first): chr19-47479863-CCT-C. GRCh37 (hg19) VCF-style: chr19-47983120-CCT-C.
Other names: c.617_618del, p.Lys206fs (NM_001291296.2); short protein forms K206fs, K262fs.
Identifiers: ClinVar variation 1365405 (VCV001365405.6), dbSNP rs2122687472, ClinGen allele CA2573156483.
Genomic context (GRCh38, chr19:47,479,863, plus strand): 5'-GCAGAGTTGCCTCTTCCCTCCCACCCGCTCTCTCCCCATCCCCTCAAACCCAGAGCTCAC[CCT>C]TGGCGGCCGAGAGGCTGAACACAATCACTCGGGAGATGGGACCGTCCTGCAGGACCGACC-3'

ClinVar aggregate classification (germline): Pathogenic (1 of 4 stars; one submission).

Conditions:
Macrocephaly-developmental delay syndrome (MRT41). Also called: INTELLECTUAL DEVELOPMENTAL DISORDER, AUTOSOMAL RECESSIVE 41. Identifiers: Orphanet 397612, MedGen C3810225, MONDO:0014289, OMIM 615637.

Submission:

Labcorp Genetics (formerly Invitae), Labcorp
Classification: Pathogenic for Macrocephaly-developmental delay syndrome. Last evaluated: 2021-11-18. Review status: criteria provided, single submitter. Criteria: Invitae Variant Classification Sherloc (09022015). Collection method: clinical testing. Allele origin: germline.
Comment: This sequence change creates a premature translational stop signal (p.Lys262Argfs*10) in the KPTN gene. It is expected to result in an absent or disrupted protein product. Loss-of-function variants in KPTN are known to be pathogenic (PMID: 24239382, 25847626). This variant is not present in population databases (gnomAD no frequency). This variant has not been reported in the literature in individuals affected with KPTN-related conditions. Algorithms developed to predict the effect of sequence changes on RNA splicing suggest that this variant may create or strengthen a splice site. For these reasons, this variant has been classified as Pathogenic.

Literature cited by the submitters: PubMed 24239382; PubMed 25847626.